The following is an entry in ClinVar:

NM_001369.3(DNAH5):c.11203G>T (p.Glu3735Ter)

Gene: DNAH5 (dynein axonemal heavy chain 5; minus strand). Cytogenetic location: 5p15.2.
Variant type: single nucleotide variant.
Coding change: c.11203G>T on transcript NM_001369.3 (MANE Select); coding-DNA position 11203, G replaced by T.
Protein change: p.Glu3735Ter; replaces glutamic acid 3735 with a stop codon.
Molecular consequence: nonsense.
Genome position (GRCh38, 1-based): chr5:13,751,086, C>A on the plus strand (G>T on the coding strand, the complement: DNAH5 is on the minus strand). VCF-style: chr5-13751086-C-A. GRCh37 (hg19) VCF-style: chr5-13751195-C-A.
Other names: short protein forms E3735*.
Identifiers: ClinVar variation 1726189 (VCV001726189.2), dbSNP rs2546608024, ClinGen allele CA359188820.

ClinVar aggregate classification (germline): Likely pathogenic (1 of 4 stars; one submission).

Conditions:
Primary ciliary dyskinesia 3. Identifiers: Orphanet 244, MedGen C1837618, MONDO:0012085, OMIM 608644.

Submission:

Myriad Genetics, Inc.
Classification: Likely pathogenic for Primary ciliary dyskinesia 3. Last evaluated: 2022-05-21. Review status: criteria provided, single submitter. Criteria: Myriad Women's Health Autosomal Recessive and X-Linked Classification Criteria (2021). Collection method: clinical testing. Allele origin: unknown.
Comment: NM_001369.2(DNAH5):c.11203G>T(E3735*) is expected to be pathogenic in the context of DNAH5-related primary ciliary dyskinesia. This variant is predicted to lead to an abnormal or absent protein product due to the creation of a premature termination codon in DNAH5, a gene where loss-of-function variants are known to be pathogenic. Please note: this variant was assessed in the context of healthy population screening.